The following is an entry in ClinVar:

ClinVar aggregate classification (germline): Uncertain significance (1 of 4 stars; one submission).

Conditions:
Charcot-Marie-Tooth disease dominant intermediate E. Also called: CHARCOT-MARIE-TOOTH NEUROPATHY WITH FOCAL SEGMENTAL GLOMERULONEPHRITIS. Identifiers: Orphanet 93114, MedGen C4302667, MONDO:0013758, OMIM 614455.

Submission:

MGZ Medical Genetics Center
Classification: Uncertain significance for Charcot-Marie-Tooth disease dominant intermediate E. Last evaluated: 2021-11-23. Review status: criteria provided, single submitter. Criteria: ACMG Guidelines, 2015. Collection method: clinical testing. Allele origin: germline. Affected: yes. Observed: 1 variant allele.
Comment: ACMG criteria applied: PM1, PM2_SUP, PP3

NM_022489.4(INF2):c.525G>C (p.Gln175His)

Gene: INF2 (inverted formin 2; plus strand). Cytogenetic location: 14q32.33.
Variant type: single nucleotide variant.
Coding change: c.525G>C on transcript NM_022489.4 (MANE Select); coding-DNA position 525, G replaced by C.
Protein change: p.Gln175His; replaces glutamine 175 with histidine.
Molecular consequence: missense variant.
Genome position (GRCh38, 1-based): chr14:104,703,312, G>C. VCF-style: chr14-104703312-G-C. GRCh37 (hg19) VCF-style: chr14-105169649-G-C.
Other names: c.525G>C, p.Gln175His (NM_001031714.4, NM_032714.3); short protein forms Q175H.
Identifiers: ClinVar variation 1709244 (VCV001709244.2), dbSNP rs2504242792, ClinGen allele CA391213186.